The following is an entry in ClinVar:

NM_152564.5(VPS13B):c.9142dup (p.Asp3048fs)

Gene: VPS13B (vacuolar protein sorting 13 homolog B; plus strand). Cytogenetic location: 8q22.2.
Variant type: Duplication.
Coding change: c.9142dup on transcript NM_152564.5 (MANE Select); coding-DNA position 9142, one base duplicated (G; older notation c.9142dupG).
Protein change: p.Asp3048fs; shifts the reading frame from aspartic acid 3048.
Molecular consequence: frameshift variant.
Genome position (GRCh38, 1-based): chr8:99,821,441, G duplicated. VCF-style (leftmost placement, unchanged base first): chr8-99821440-T-TG. GRCh37 (hg19) VCF-style: chr8-100833668-T-TG.
Other names: c.9217dup, p.Asp3073fs (NM_017890.5); short protein forms D3048fs, D3073fs.
Identifiers: ClinVar variation 4815983 (VCV004815983.1).

ClinVar aggregate classification (germline): Likely pathogenic (1 of 4 stars; one submission).

Conditions:
Cohen syndrome (COH1). Also called: PEPPER SYNDROME; Cutis verticis gyrata, retinitis pigmentosa, and sensorineural deafness. Identifiers: Orphanet 193, MedGen C0265223, MONDO:0008999, OMIM 216550.

Submission:

Natera, Inc.
Classification: Likely pathogenic for Cohen syndrome. Last evaluated: 2024-09-20. Review status: criteria provided, single submitter. Criteria: Natera Variant Classification Schema (03/2026). Collection method: clinical testing. Allele origin: germline.
Comment: The c.9217dup variant in VPS13B is a frameshift variant predicted to shift the reading frame beginning at codon 3073 and leads to a stop codon 3 codons downstream. This variant is expected to result in nonsense mediated decay, truncation, or a dysfunctional protein product. This variant is rare in the general population with a frequency below the threshold expected for the associated phenotype(s). Given the available evidence, this variant is classified as Likely Pathogenic.